The following is an entry in ClinVar:

ClinVar aggregate classification (germline): Likely benign (1 of 4 stars; one submission).

Submission:

GeneDx
Classification: Likely benign. Last evaluated: 2015-03-24. Review status: criteria provided, single submitter. Criteria: GeneDx Variant Classification (06012015). Collection method: clinical testing. Allele origin: germline. Affected: yes.
Comment: This variant is considered likely benign or benign based on one or more of the following criteria: it is a conservative change, it occurs at a poorly conserved position in the protein, it is predicted to be benign by multiple in silico algorithms, and/or has population frequency not consistent with disease.

NM_000051.4(ATM):c.8085T>G (p.Gly2695=)

Genes: C11orf65 (chromosome 11 open reading frame 65; minus strand), ATM (ATM serine/threonine kinase; plus strand). Cytogenetic location: 11q22.3.
Variant type: single nucleotide variant.
Coding change: c.8085T>G on transcript NM_000051.4 (MANE Select); coding-DNA position 8085, T replaced by G.
Protein change: p.Gly2695=; no amino-acid change (glycine 2695 retained).
Molecular consequence: synonymous variant. On other transcripts: intron variant (2).
Genome position (GRCh38, 1-based): chr11:108,335,043, T>G. VCF-style: chr11-108335043-T-G. GRCh37 (hg19) VCF-style: chr11-108205770-T-G.
Other names: c.8085T>G, p.Gly2695= (NM_001351834.2); c.641-25972A>C (NM_001330368.2); c.*38+177A>C (NM_001351110.2).
Identifiers: ClinVar variation 379281 (VCV000379281.3), dbSNP rs1057520554, ClinGen allele CA16606217.